The following is an entry in ClinVar:

NM_032043.3(BRIP1):c.1473G>C (p.Gln491His)

Gene: BRIP1 (BRCA1 interacting DNA helicase 1; minus strand). Cytogenetic location: 17q23.2.
Variant type: single nucleotide variant.
Coding change: c.1473G>C on transcript NM_032043.3 (MANE Select); coding-DNA position 1473, G replaced by C.
Protein change: p.Gln491His; replaces glutamine 491 with histidine.
Molecular consequence: missense variant.
Genome position (GRCh38, 1-based): chr17:61,793,597, C>G on the plus strand (G>C on the coding strand, the complement: BRIP1 is on the minus strand). VCF-style: chr17-61793597-C-G. GRCh37 (hg19) VCF-style: chr17-59870958-C-G.
Other names: short protein forms Q491H.
Identifiers: ClinVar variation 2948677 (VCV002948677.3), dbSNP rs2145238730, ClinGen allele CA400482029.

ClinVar aggregate classification (germline): Uncertain significance (1 of 4 stars; one submission).

Conditions:
Fanconi anemia complementation group J. Also called: BRIP1-Related Fanconi Anemia. Identifiers: Orphanet 84, MedGen C1836860, MONDO:0012187, OMIM 609054.
Familial cancer of breast. Also called: BREAST CANCER, FAMILIAL; Hereditary breast cancer; hereditary breast carcinoma. Identifiers: Orphanet 227535, MedGen C0346153, MONDO:0016419, OMIM 114480. Disease mechanism: loss of function.

Submission:

Labcorp Genetics (formerly Invitae), Labcorp
Classification: Uncertain significance for Familial cancer of breast; Fanconi anemia complementation group J. Last evaluated: 2023-07-06. Review status: criteria provided, single submitter. Criteria: Invitae Variant Classification Sherloc (09022015). Collection method: clinical testing. Allele origin: germline.
Comment: Variants that disrupt the consensus splice site are a relatively common cause of aberrant splicing (PMID: 17576681, 9536098). Studies have shown that this missense change results in skipping of exon 10 and introduces a premature termination codon (Invitae). The resulting mRNA is expected to undergo nonsense-mediated decay. In summary, the available evidence is currently insufficient to determine the role of this variant in disease. Therefore, it has been classified as a Variant of Uncertain Significance. An algorithm developed to predict the effect of missense changes on protein structure and function (PolyPhen-2) suggests that this variant is likely to be disruptive. This variant has not been reported in the literature in individuals affected with BRIP1-related conditions. This variant is not present in population databases (gnomAD no frequency). This sequence change replaces glutamine, which is neutral and polar, with histidine, which is basic and polar, at codon 491 of the BRIP1 protein (p.Gln491His). RNA analysis indicates that this missense change induces altered splicing and may result in an absent or disrupted protein product.

Literature cited by the submitters: PubMed 17576681; PubMed 9536098.